The following is an entry in ClinVar:

NM_002474.3(MYH11):c.2367C>T (p.Val789=)

Gene: MYH11 (myosin heavy chain 11; minus strand). Cytogenetic location: 16p13.11.
Variant type: single nucleotide variant.
Coding change: c.2367C>T on transcript NM_002474.3 (MANE Select); coding-DNA position 2367, C replaced by T.
Protein change: p.Val789=; no amino-acid change (valine 789 retained).
Molecular consequence: synonymous variant.
Genome position (GRCh38, 1-based): chr16:15,747,614, G>A on the plus strand (C>T on the coding strand, the complement: MYH11 is on the minus strand). VCF-style: chr16-15747614-G-A. GRCh37 (hg19) VCF-style: chr16-15841471-G-A.
Other names: c.2388C>T, p.Val796= (NM_001040113.2, NM_001040114.2); c.2367C>T, p.Val789= (NM_022844.3).
Identifiers: ClinVar variation 519946 (VCV000519946.18), dbSNP rs1555560257, ClinGen allele CA493792073.

ClinVar aggregate classification (germline): Likely benign. Review status: criteria provided, multiple submitters, no conflicts (2 of 4 stars). 5 submissions from 5 submitters: Likely benign (5). Last evaluated 2024-12-20.

Conditions:
Aortic aneurysm, familial thoracic 4 (AAT4). Also called: AORTIC ANEURYSM/AORTIC DISSECTION AND PATENT DUCTUS ARTERIOSUS. Identifiers: MedGen C1851504, MONDO:0007568, OMIM 132900.
Familial thoracic aortic aneurysm and aortic dissection (TAAD). Also called: Thoracic aortic aneurysms and dissections. Identifiers: Orphanet 91387, MedGen C4707243, MONDO:0019625.

gnomAD v4.1: 1 of 1,614,130 alleles (0.000062%); highest among the groups gnomAD compares: Non-Finnish European, 0.000085%; no homozygotes.

Submissions (5):

Women's Health and Genetics/Laboratory Corporation of America, LabCorp
Classification: Likely benign. Last evaluated: 2024-12-20. Review status: criteria provided, single submitter. Criteria: LabCorp Variant Classification Summary - May 2015. Collection method: clinical testing. Allele origin: germline.

All of Us Research Program, National Institutes of Health
Classification: Likely benign for Familial thoracic aortic aneurysm and aortic dissection. Last evaluated: 2024-05-14. Review status: criteria provided, single submitter. Criteria: ACMG Guidelines, 2015. Collection method: clinical testing. Allele origin: germline. Inheritance: Autosomal dominant inheritance. Observed: 1 variant allele, 1 heterozygote.
Comment: This study involves interpretation of variants in research participants for the purpose of population health screening. Participant phenotype was not available at the time of variant classification. Additional details can be found in publication PMID: 35346344, PMCID: PMC8962531

Labcorp Genetics (formerly Invitae), Labcorp
Classification: Likely benign for Aortic aneurysm, familial thoracic 4. Last evaluated: 2020-09-16. Review status: criteria provided, single submitter. Criteria: Invitae Variant Classification Sherloc (09022015). Collection method: clinical testing. Allele origin: germline.

Color Diagnostics, LLC DBA Color Health
Classification: Likely benign for Familial thoracic aortic aneurysm and aortic dissection. Last evaluated: 2018-10-21. Review status: criteria provided, single submitter. Criteria: ACMG Guidelines, 2015. Collection method: clinical testing. Allele origin: germline.

Ambry Genetics
Classification: Likely benign for Familial thoracic aortic aneurysm and aortic dissection. Last evaluated: 2016-12-28. Review status: criteria provided, single submitter. Criteria: Ambry Variant Classification Scheme 2023. Collection method: clinical testing. Allele origin: germline.